The following is an entry in ClinVar:

ClinVar aggregate classification (germline): Benign/Likely benign. Review status: criteria provided, multiple submitters, no conflicts (2 of 4 stars). 3 submissions from 3 submitters: Benign (1); Likely benign (2). Last evaluated 2024-10-21.

Conditions:
Hereditary leiomyomatosis and renal cell cancer. Also called: MULTIPLE CUTANEOUS AND UTERINE LEIOMYOMATA 1, WITH OR WITHOUT RENAL CELL CARCINOMA; LEIOMYOMA, MULTIPLE CUTANEOUS; Reed syndrome; Multiple cutaneous and uterine leiomyomatosis; Cutaneous leiomyomata with uterine leiomyomata; Leiomyoma, hereditary multiple, of skin. Identifiers: Orphanet 523, MedGen C1708350, MONDO:0007888, OMIM 150800, HP:0007437. Disease mechanism: loss of function.
Hereditary cancer-predisposing syndrome. Also called: Neoplastic Syndromes, Hereditary; Tumor predisposition; Hereditary Cancer Syndrome; Hereditary neoplastic syndrome. Identifiers: Orphanet 140162, MedGen C0027672, MeSH D009386, MONDO:0015356.

gnomAD v4.1: 1 of 1,614,078 alleles (0.000062%); highest among the groups gnomAD compares: Admixed American, 0.0017%; no homozygotes.

Submissions (3):

Myriad Genetics, Inc.
Classification: Benign for Hereditary leiomyomatosis and renal cell cancer. Last evaluated: 2024-10-21. Review status: criteria provided, single submitter. Criteria: Myriad Autosomal Dominant, Autosomal Recessive and X-Linked Classification Criteria (2023). Collection method: clinical testing. Allele origin: unknown.
Comment: This variant is considered benign. This variant is a silent/synonymous amino acid change and it is not expected to impact splicing.

Labcorp Genetics (formerly Invitae), Labcorp
Classification: Likely benign. Last evaluated: 2022-08-23. Review status: criteria provided, single submitter. Criteria: Invitae Variant Classification Sherloc (09022015). Collection method: clinical testing. Allele origin: germline.

Ambry Genetics
Classification: Likely benign for Hereditary cancer-predisposing syndrome. Last evaluated: 2020-12-03. Review status: criteria provided, single submitter. Criteria: Ambry Variant Classification Scheme 2023. Collection method: clinical testing. Allele origin: germline.

NM_000143.4(FH):c.1071C>A (p.Ile357=)

Gene: FH (fumarate hydratase; minus strand). Cytogenetic location: 1q43.
Variant type: single nucleotide variant.
Coding change: c.1071C>A on transcript NM_000143.4 (MANE Select); coding-DNA position 1071, C replaced by A.
Protein change: p.Ile357=; no amino-acid change (isoleucine 357 retained).
Molecular consequence: synonymous variant.
Genome position (GRCh38, 1-based): chr1:241,504,079, G>T on the plus strand (C>A on the coding strand, the complement: FH is on the minus strand). VCF-style: chr1-241504079-G-T. GRCh37 (hg19) VCF-style: chr1-241667379-G-T.
Identifiers: ClinVar variation 1631373 (VCV001631373.49), dbSNP rs1391140770, ClinGen allele CA424075749.